The following is an entry in ClinVar:

NM_004092.4(ECHS1):c.202G>A (p.Glu68Lys)

Gene: ECHS1 (enoyl-CoA hydratase, short chain 1; minus strand). Cytogenetic location: 10q26.3.
Variant type: single nucleotide variant.
Coding change: c.202G>A on transcript NM_004092.4 (MANE Select); coding-DNA position 202, G replaced by A.
Protein change: p.Glu68Lys; replaces glutamic acid 68 with lysine.
Molecular consequence: missense variant.
Genome position (GRCh38, 1-based): chr10:133,370,644, C>T on the plus strand (G>A on the coding strand, the complement: ECHS1 is on the minus strand). VCF-style: chr10-133370644-C-T. GRCh37 (hg19) VCF-style: chr10-135184148-C-T.
Other names: c.202G>A (NM_004092.3); short protein forms E68K.
Identifiers: ClinVar variation 1950223 (VCV001950223.28), dbSNP rs1276839756, ClinGen allele CA378823143.

ClinVar aggregate classification (germline): Conflicting classifications of pathogenicity. Review status: criteria provided, conflicting classifications (1 of 4 stars). 3 submissions from 3 submitters: Likely pathogenic (1); Uncertain significance (1). 1 of the submissions does not count toward it. Last evaluated 2024-02-27.

Conditions:
Mitochondrial short-chain Enoyl-Coa hydratase 1 deficiency. Also called: PxMD-ECHS1; Mitochondrial Short-Chain Enoyl-CoA Hydratase Deficiency; ECHS1 deficiency. Identifiers: Orphanet 255241, Orphanet 653880, MedGen C4225391, MONDO:0014563, OMIM 616277.

Allele frequency attached by ClinVar (database versions not stated): gnomAD exomes 0.00001; TOPMed 0.00001.
gnomAD v4.1: 8 of 1,613,026 alleles (0.0005%); highest among the groups gnomAD compares: South Asian, 0.0022%; no homozygotes.

Submissions (3):

Service de Génétique Médicale, Centre Hospitalier Universitaire de Nice-Université Côte d'Azur
Classification: Likely pathogenic for Mitochondrial short-chain Enoyl-Coa hydratase 1 deficiency. Last evaluated: 2024-02-27. Review status: criteria provided, single submitter. Criteria: ACMG Guidelines, 2015. Collection method: clinical testing. Allele origin: germline. Affected: yes.

Labcorp Genetics (formerly Invitae), Labcorp
Classification: Uncertain significance. Last evaluated: 2022-05-25. Review status: criteria provided, single submitter. Criteria: Invitae Variant Classification Sherloc (09022015). Collection method: clinical testing. Allele origin: germline.
Comment: This variant is not present in population databases (gnomAD no frequency). In summary, the available evidence is currently insufficient to determine the role of this variant in disease. Therefore, it has been classified as a Variant of Uncertain Significance. Advanced modeling of protein sequence and biophysical properties (such as structural, functional, and spatial information, amino acid conservation, physicochemical variation, residue mobility, and thermodynamic stability) performed at Invitae indicates that this missense variant is expected to disrupt ECHS1 protein function. This variant has not been reported in the literature in individuals affected with ECHS1-related conditions. This sequence change replaces glutamic acid, which is acidic and polar, with lysine, which is basic and polar, at codon 68 of the ECHS1 protein (p.Glu68Lys).

Istanbul Faculty of Medicine, Istanbul University
Classification: Pathogenic for Mitochondrial short-chain Enoyl-Coa hydratase 1 deficiency. Last evaluated: 2023-01-27. Review status: no assertion criteria provided. Collection method: clinical testing. Allele origin: paternal. Inheritance: Autosomal recessive inheritance. Affected: yes. Observed: 2 variant alleles. Not counted in ClinVar's aggregate classification.

Literature cited by the submitters: PubMed 38703036 (cited by Service de Génétique Médicale, Centre Hospitalier Universitaire de Nice-Université Côte d'Azur); PubMed 37377599 (cited by Istanbul Faculty of Medicine, Istanbul University).